The following is an entry in ClinVar:

NM_006623.4(PHGDH):c.1471C>T (p.Arg491Trp)

Gene: PHGDH (phosphoglycerate dehydrogenase; plus strand). Cytogenetic location: 1p12.
Variant type: single nucleotide variant.
Coding change: c.1471C>T on transcript NM_006623.4 (MANE Select); coding-DNA position 1471, C replaced by T.
Protein change: p.Arg491Trp; replaces arginine 491 with tryptophan.
Molecular consequence: missense variant.
Genome position (GRCh38, 1-based): chr1:119,743,909, C>T. VCF-style: chr1-119743909-C-T. GRCh37 (hg19) VCF-style: chr1-120286532-C-T.
Other names: short protein forms R491W.
Identifiers: ClinVar variation 496330 (VCV000496330.34), dbSNP rs587731325, ClinGen allele CA1037474.
Genomic context (GRCh38, chr1:119,743,909, plus strand): 5'-ATCCCCTGTGCCAACCAGGAGTTTCTTCTATTTCCAGGCCTCCTGGCAGAGGCAGGCGTG[C>T]GGCTGCTGTCCTACCAGACTTCACTGGTGTCAGATGGGGAGACCTGGCACGTCATGGGCA-3'
Protein context (NP_006614.2, residues 481-501): MIGLLAEAGV[Arg491Trp]LLSYQTSLVS

ClinVar aggregate classification (germline): Conflicting classifications of pathogenicity. Review status: criteria provided, conflicting classifications (1 of 4 stars). 11 submissions from 11 submitters: Likely pathogenic (2); Uncertain significance (8). 1 of the submissions does not count toward it. Last evaluated 2025-09-04.

Conditions:
Neurometabolic disorder due to serine deficiency. Identifiers: Orphanet 35705, MedGen C5680148, MONDO:0018162.
PHGDH-related disorder. Also called: PHGDH-related condition.
Inborn genetic diseases. Identifiers: MedGen C0950123, MeSH D030342.
Neu-Laxova syndrome 1 (NLS1). Identifiers: Orphanet 2671, Orphanet 583607, MedGen C4551478, MONDO:0009736, OMIM 256520. Disease mechanism: loss of function.
PHGDH deficiency. Identifiers: Orphanet 79351, MedGen C1866174, MONDO:0011152, OMIM 601815.

Allele frequency attached by ClinVar (database versions not stated): gnomAD exomes 0.00010 and 0.00018; ExAC 0.00011; 1000 Genomes Project 30x 0.00016; 1000 Genomes Project 0.00020; gnomAD 0.00023 and 0.00026; TOPMed 0.00046.
gnomAD v4.1: 314 of 1,613,754 alleles (0.019%); highest among the groups gnomAD compares: Admixed American, 0.048%; no homozygotes.

Submissions (11):

Myriad Genetics, Inc.
Classification: Uncertain significance for Neurometabolic disorder due to serine deficiency. Last evaluated: 2025-09-04. Review status: criteria provided, single submitter. Criteria: Myriad Autosomal Dominant, Autosomal Recessive and X-Linked Classification Criteria (2023). Collection method: clinical testing. Allele origin: unknown.
Comment: NM_006623.3(PHGDH):c.1471C>T(R491W) is a missense variant classified as a variant of uncertain significance in the context of serine deficiency disorder, PHGDH-related. R491W has been observed in a case with relevant disease (PMID: 22393170). Relevant functional assessments of this variant are available in the literature (PMID: 33758422). R491W has been observed in referenced population frequency databases. In summary, there is insufficient evidence to classify NM_006623.3(PHGDH):c.1471C>T(R491W) as pathogenic or benign. Please note: this variant was assessed in the context of healthy population screening.

Ambry Genetics
Classification: Uncertain significance for Inborn genetic diseases. Last evaluated: 2025-07-22. Review status: criteria provided, single submitter. Criteria: Ambry Variant Classification Scheme 2023. Collection method: clinical testing. Allele origin: germline.
Comment: Based on insufficient or conflicting evidence, the clinical significance of this alteration remains unclear.

GeneDx
Classification: Likely pathogenic. Last evaluated: 2025-07-21. Review status: criteria provided, single submitter. Criteria: GeneDx Variant Classification Process June 2021. Collection method: clinical testing. Allele origin: germline. Affected: yes.
Comment: Published functional studies demonstrate p.(R491W) reduces PHGDH enzyme activity (PMID: 33758422); In silico analysis suggests that this missense variant does not alter protein structure/function; This variant is associated with the following publications: (PMID: 22393170, 26960553, 33758422, 32594192)

Women's Health and Genetics/Laboratory Corporation of America, LabCorp
Classification: Uncertain significance. Last evaluated: 2025-05-21. Review status: criteria provided, single submitter. Criteria: LabCorp Variant Classification Summary - May 2015. Collection method: clinical testing. Allele origin: germline.
Comment: Variant summary: PHGDH c.1471C>T (p.Arg491Trp) results in a non-conservative amino acid change in the encoded protein sequence. Algorithms developed to predict the effect of missense changes on protein structure and function are either unavailable or do not agree on the potential impact of this missense change. The variant allele was found at a frequency of 0.0001 in 249902 control chromosomes. This frequency is not significantly higher than estimated for a pathogenic variant in PHGDH causing Phosphoglycerate Dehydrogenase Deficiency (0.0001 vs 0.0026), allowing no conclusion about variant significance. c.1471C>T has been observed in a compound heterozygous individual affected with Phosphoglycerate Dehydrogenase Deficiency and in an individual affected with Macular telangiectasia type 2 (Meneret_2012, Eade_2021). These data do not allow any conclusion about variant significance. Experimental evidence evaluating an impact on protein function demonstrated the variant to have 52% of relative enzyme activity compared to wild-type (Eade_2021). The following publications have been ascertained in the context of this evaluation (PMID: 33758422, 22393170). ClinVar contains an entry for this variant (Variation ID: 496330). Based on the evidence outlined above, the variant was classified as uncertain significance.

Labcorp Genetics (formerly Invitae), Labcorp
Classification: Uncertain significance for PHGDH deficiency. Last evaluated: 2024-10-29. Review status: criteria provided, single submitter. Criteria: Invitae Variant Classification Sherloc (09022015). Collection method: clinical testing. Allele origin: germline.
Comment: This sequence change replaces arginine, which is basic and polar, with tryptophan, which is neutral and slightly polar, at codon 491 of the PHGDH protein (p.Arg491Trp). This variant is present in population databases (rs587731325, gnomAD 0.02%). This missense change has been observed in individual(s) with phosphoglycerate dehydrogenase deficiency (PMID: 22393170). ClinVar contains an entry for this variant (Variation ID: 496330). Invitae Evidence Modeling of protein sequence and biophysical properties (such as structural, functional, and spatial information, amino acid conservation, physicochemical variation, residue mobility, and thermodynamic stability) has been performed for this missense variant. However, the output from this modeling did not meet the statistical confidence thresholds required to predict the impact of this variant on PHGDH protein function. Experimental studies have shown that this missense change affects PHGDH function (PMID: 33758422). In summary, the available evidence is currently insufficient to determine the role of this variant in disease. Therefore, it has been classified as a Variant of Uncertain Significance.

Fulgent Genetics
Classification: Uncertain significance for Neu-Laxova syndrome 1; PHGDH deficiency. Last evaluated: 2024-06-06. Review status: criteria provided, single submitter. Criteria: ACMG Guidelines, 2015. Collection method: clinical testing. Allele origin: germline.

Blueprint Genetics
Classification: Likely pathogenic for PHGDH-related disorders. Last evaluated: 2023-08-16. Review status: criteria provided, single submitter. Criteria: ACMG Guidelines, 2015. Collection method: clinical testing. Allele origin: germline. Affected: yes. Observed: 5 variant alleles.

Mayo Clinic Laboratories, Mayo Clinic
Classification: Uncertain significance. Last evaluated: 2019-05-20. Review status: criteria provided, single submitter. Criteria: ACMG Guidelines, 2015. Collection method: clinical testing. Allele origin: germline. Observed: 1 variant allele.

Illumina Laboratory Services, Illumina
Classification: Uncertain significance for PHGDH deficiency. Last evaluated: 2018-01-13. Review status: criteria provided, single submitter. Criteria: ICSL Variant Classification Criteria 13 December 2019. Collection method: clinical testing. Allele origin: germline.

Baylor Genetics
Classification: Uncertain significance for Neu-Laxova syndrome 1. Review status: criteria provided, single submitter. Criteria: ACMG Guidelines, 2015. Collection method: clinical testing. Allele origin: unknown.

Natera, Inc.
Classification: Uncertain significance for Phosphoglycerate dehydrogenase deficiency. Last evaluated: 2020-01-12. Review status: no assertion criteria provided. Collection method: clinical testing. Allele origin: germline. Not counted in ClinVar's aggregate classification.

Literature cited by the submitters: PubMed 22393170 (cited by 4 submitters); PubMed 33758422 (cited by 3 submitters).